The following is an entry in ClinVar:

NM_021098.3(CACNA1H):c.3175G>T (p.Ala1059Ser)

Gene: CACNA1H (calcium voltage-gated channel subunit alpha1 H; plus strand). Cytogenetic location: 16p13.3.
Variant type: single nucleotide variant.
Coding change: c.3175G>T on transcript NM_021098.3 (MANE Select); coding-DNA position 3175, G replaced by T.
Protein change: p.Ala1059Ser; replaces alanine 1059 with serine.
Molecular consequence: missense variant.
Genome position (GRCh38, 1-based): chr16:1,208,033, G>T. VCF-style: chr16-1208033-G-T. GRCh37 (hg19) VCF-style: chr16-1258033-G-T.
Other names: p.Ala1059Ser; c.3175G>T, p.Ala1059Ser (NM_001005407.2); short protein forms A1059S.
Identifiers: ClinVar variation 460081 (VCV000460081.57), dbSNP rs41292285, ClinGen allele CA7800672.
Genomic context (GRCh38, chr16:1,208,033, plus strand): 5'-CTGGCAGCTCTAGGGGCCCATTCCTCCCTCTGTCCCGCAGAGCTGAAGATGTGTTCCCTG[G>T]CCGTGACCCCCAACGGGCACCTGGAGGGACGAGGCAGCCTGTCCCCTCCCCTCATCATGT-3'
Protein context (NP_066921.2, residues 1049-1069): QTTELKMCSL[Ala1059Ser]VTPNGHLEGR

ClinVar aggregate classification (germline): Benign/Likely benign. Review status: criteria provided, multiple submitters, no conflicts (2 of 4 stars). 9 submissions from 9 submitters: Benign (4); Likely benign (3). 2 of the submissions do not count toward it. Last evaluated 2026-02-02.

Conditions:
Idiopathic generalized epilepsy. Also called: EIG; Generalised epilepsy. Identifiers: MedGen C0270850, MONDO:0005579, OMIM 600669.
Hyperaldosteronism, familial, type IV (HALD4). Also called: FH IV; ALDOSTERONISM, PRIMARY, AND HYPERTENSION. Identifiers: Orphanet 642671, MedGen C4310756, MONDO:0014875, OMIM 617027.

Allele frequency attached by ClinVar (database versions not stated): 1000 Genomes Project 0.00339; 1000 Genomes Project 30x 0.00344; gnomAD 0.00707 and 0.00715; gnomAD exomes 0.00725; TOPMed 0.00753; ESP Exome Variant Server 0.00754; ExAC 0.01115.
gnomAD v4.1: 14,993 of 1,606,222 alleles (0.93%); highest among the groups gnomAD compares: Middle Eastern, 4%; 101 homozygotes.

Submissions (9):

Labcorp Genetics (formerly Invitae), Labcorp
Classification: Benign for Idiopathic generalized epilepsy; Hyperaldosteronism, familial, type IV. Last evaluated: 2026-02-02. Review status: criteria provided, single submitter. Criteria: Invitae Variant Classification Sherloc (09022015). Collection method: clinical testing. Allele origin: germline.

Mayo Clinic Laboratories, Mayo Clinic
Classification: Benign. Last evaluated: 2025-10-14. Review status: criteria provided, single submitter. Criteria: ACMG Guidelines, 2015. Collection method: clinical testing. Allele origin: germline. Observed: 2 variant alleles.
Comment: BS1, BS2

CeGaT Center for Human Genetics Tuebingen
Classification: Benign. Last evaluated: 2025-07-01. Review status: criteria provided, single submitter. Criteria: CeGaT Center For Human Genetics Tuebingen Variant Classification Criteria Version 2. Collection method: clinical testing. Allele origin: germline. Affected: yes. Observed: 7 variant alleles.
Comment: CACNA1H: BS1, BS2

Blueprint Genetics
Classification: Likely benign. Last evaluated: 2024-11-27. Review status: criteria provided, single submitter. Criteria: ACMG Guidelines, 2015. Collection method: clinical testing. Allele origin: germline.

GeneDx
Classification: Likely benign. Last evaluated: 2020-06-03. Review status: criteria provided, single submitter. Criteria: GeneDx Variant Classification Process June 2021. Collection method: clinical testing. Allele origin: germline. Affected: yes.
Comment: This variant is associated with the following publications: (PMID: 17696120, 25525159, 26706850)

Athena Diagnostics
Classification: Benign. Last evaluated: 2019-06-06. Review status: criteria provided, single submitter. Criteria: Athena Diagnostics Criteria. Collection method: clinical testing. Allele origin: germline.

Breakthrough Genomics
Classification: Likely benign. Review status: criteria provided, single submitter. Criteria: ACMG Guidelines, 2015. Collection method: not provided. Allele origin: germline. Inheritance: Autosomal dominant inheritance. Affected: yes.

Genome Diagnostics Laboratory, University Medical Center Utrecht
Classification: Likely benign. Review status: no assertion criteria provided. Collection method: clinical testing. Allele origin: germline. Affected: yes. Study: VKGL Data-share Consensus. Not counted in ClinVar's aggregate classification.

Laboratory of Diagnostic Genome Analysis, Leiden University Medical Center (LUMC)
Classification: Likely benign. Review status: no assertion criteria provided. Collection method: clinical testing. Allele origin: germline. Affected: yes. Study: VKGL Data-share Consensus. Not counted in ClinVar's aggregate classification.

Literature cited by the submitters: PubMed 17696120 (cited by Mayo Clinic Laboratories, Mayo Clinic and Athena Diagnostics); PubMed 26706850 (cited by Mayo Clinic Laboratories, Mayo Clinic and Athena Diagnostics); PubMed 35328054 (cited by Mayo Clinic Laboratories, Mayo Clinic); PubMed 28842445 (cited by Athena Diagnostics).